The following is an entry in ClinVar:

NM_005154.5(USP8):c.2320C>T (p.Pro774Ser)

Gene: USP8 (ubiquitin specific peptidase 8; plus strand). Cytogenetic location: 15q21.2.
Variant type: single nucleotide variant.
Coding change: c.2320C>T on transcript NM_005154.5 (MANE Select); coding-DNA position 2320, C replaced by T.
Protein change: p.Pro774Ser; replaces proline 774 with serine.
Molecular consequence: missense variant.
Genome position (GRCh38, 1-based): chr15:50,492,786, C>T. VCF-style: chr15-50492786-C-T. GRCh37 (hg19) VCF-style: chr15-50784983-C-T.
Other names: c.2320C>T, p.Pro774Ser (NM_001128610.3); c.2002C>T, p.Pro668Ser (NM_001283049.2); short protein forms P668S, P774S.
Identifiers: ClinVar variation 3706247 (VCV003706247.2).
Genomic context (GRCh38, chr15:50,492,786, plus strand): 5'-ATCTCAAGGCTTTCTGCTTCTCAGATTCGGAACCTCAATCCTGTTTTTGGAGGTTCTGGA[C>T]CAGCTCTTACTGGACTTCGTAACTTAGGAAATACTTGTTATATGAACTCAATATTGCAGT-3'
Protein context (NP_005145.3, residues 764-784): NLNPVFGGSG[Pro774Ser]ALTGLRNLGN

ClinVar aggregate classification (germline): Uncertain significance (1 of 4 stars; one submission).

Conditions:
Hereditary spastic paraplegia. Also called: Familial spastic paraparesis. Identifiers: Orphanet 685, MedGen C0037773, MONDO:0019064. Disease mechanism: loss of function.

gnomAD v4.1: 3 of 1,613,996 alleles (0.00019%); highest among the groups gnomAD compares: Non-Finnish European, 0.00025%; no homozygotes.

Submission:

Labcorp Genetics (formerly Invitae), Labcorp
Classification: Uncertain significance for Hereditary spastic paraplegia. Last evaluated: 2024-08-19. Review status: criteria provided, single submitter. Criteria: Invitae Variant Classification Sherloc (09022015). Collection method: clinical testing. Allele origin: germline.
Comment: This sequence change replaces proline, which is neutral and non-polar, with serine, which is neutral and polar, at codon 774 of the USP8 protein (p.Pro774Ser). This variant is not present in population databases (gnomAD no frequency). This variant has not been reported in the literature in individuals affected with USP8-related conditions. An algorithm developed to predict the effect of missense changes on protein structure and function (PolyPhen-2) suggests that this variant is likely to be disruptive. In summary, the available evidence is currently insufficient to determine the role of this variant in disease. Therefore, it has been classified as a Variant of Uncertain Significance.